The following is an entry in ClinVar:

ClinVar aggregate classification (germline): Uncertain significance (1 of 4 stars; one submission).

Allele frequency attached by ClinVar (database versions not stated): gnomAD exomes 0.00001 and 0.00002; TOPMed 0.00001; ExAC 0.00002; gnomAD 0.00002 and 0.00003.
gnomAD v4.1: 29 of 1,613,860 alleles (0.0018%); highest among the groups gnomAD compares: Non-Finnish European, 0.0025%; no homozygotes.

Submission:

Labcorp Genetics (formerly Invitae), Labcorp
Classification: Uncertain significance. Last evaluated: 2021-07-29. Review status: criteria provided, single submitter. Criteria: Invitae Variant Classification Sherloc (09022015). Collection method: clinical testing. Allele origin: germline.
Comment: This sequence change replaces valine with alanine at codon 342 of the PYROXD1 protein (p.Val342Ala). The valine residue is moderately conserved and there is a small physicochemical difference between valine and alanine. This variant is present in population databases (rs768282363, ExAC 0.003%). This variant has not been reported in the literature in individuals with PYROXD1-related conditions. Algorithms developed to predict the effect of missense changes on protein structure and function are either unavailable or do not agree on the potential impact of this missense change (SIFT: "Deleterious"; PolyPhen-2: "Probably Damaging"; Align-GVGD: "Class C0"). In summary, the available evidence is currently insufficient to determine the role of this variant in disease. Therefore, it has been classified as a Variant of Uncertain Significance.

NM_024854.5(PYROXD1):c.1025T>C (p.Val342Ala)

Gene: PYROXD1 (pyridine nucleotide-disulphide oxidoreductase domain 1; plus strand). Cytogenetic location: 12p12.1.
Variant type: single nucleotide variant.
Coding change: c.1025T>C on transcript NM_024854.5 (MANE Select); coding-DNA position 1025, T replaced by C.
Protein change: p.Val342Ala; replaces valine 342 with alanine.
Molecular consequence: missense variant.
Genome position (GRCh38, 1-based): chr12:21,462,771, T>C. VCF-style: chr12-21462771-T-C. GRCh37 (hg19) VCF-style: chr12-21615705-T-C.
Other names: c.812T>C, p.Val271Ala (NM_001350912.2); c.248T>C, p.Val83Ala (NM_001350913.2); short protein forms V271A, V83A, V342A.
Identifiers: ClinVar variation 1438870 (VCV001438870.8), dbSNP rs768282363, ClinGen allele CA6478435.